The following is an entry in ClinVar:

ClinVar aggregate classification (germline): Likely benign (1 of 4 stars; one submission).

Conditions:
Hypertrophic cardiomyopathy. Also called: HYPERTROPHIC MYOCARDIOPATHY. Identifiers: Orphanet 217569, MedGen C0007194, MeSH D002312, MONDO:0005045, HP:0001639.

Submission:

All of Us Research Program, National Institutes of Health
Classification: Likely benign for Hypertrophic cardiomyopathy. Last evaluated: 2023-08-15. Review status: criteria provided, single submitter. Criteria: ACMG Guidelines, 2015. Collection method: clinical testing. Allele origin: germline. Inheritance: Autosomal dominant inheritance. Observed: 1 variant allele, 1 heterozygote.
Comment: This study involves interpretation of variants in research participants for the purpose of population health screening. Participant phenotype was not available at the time of variant classification. Additional details can be found in publication PMID: 35346344, PMCID: PMC8962531

NM_000432.4(MYL2):c.170-3T>C

Gene: MYL2 (myosin light chain 2; minus strand). Cytogenetic location: 12q24.11.
Variant type: single nucleotide variant.
Coding change: c.170-3T>C on transcript NM_000432.4 (MANE Select); 3 bases into the intron before coding-DNA position 170, T replaced by C.
Molecular consequence: intron variant. On other transcripts: missense variant (2).
Genome position (GRCh38, 1-based): chr12:110,914,293, A>G on the plus strand (T>C on the coding strand, the complement: MYL2 is on the minus strand). VCF-style: chr12-110914293-A-G. GRCh37 (hg19) VCF-style: chr12-111352097-A-G.
Other names: c.125T>C, p.Leu42Pro (NM_001406745.1, NM_001406746.1); c.113-3T>C (NM_001406916.1); short protein forms L42P.
Identifiers: ClinVar variation 3072818 (VCV003072818.1), dbSNP rs2499809999, ClinGen allele CA386698874.
Genomic context (GRCh38, chr12:110,914,293, plus strand): 5'-GGACCCGGAGCCTCCTTGATCATTTCATCAATTTCTTCATTTTTCACGTTCACTCGCCCT[A>G]GGGTAGGAAACACACACTCAGGGACTCCGAGCTGGGGAGAAAGAACCATTATGACACTGC-3'